The following is an entry in ClinVar:

ClinVar aggregate classification (germline): Uncertain significance. Review status: criteria provided, multiple submitters, no conflicts (2 of 4 stars). 2 submissions from 2 submitters: Uncertain significance (2). Last evaluated 2023-05-16.

Conditions:
Intestinal obstruction in the newborn due to guanylate cyclase 2C deficiency. Identifiers: Orphanet 314376, MedGen C4518781, MONDO:0013843, OMIM 614665.

Allele frequency attached by ClinVar (database versions not stated): gnomAD exomes below 0.00001; ExAC 0.00001.

Submissions (2):

Labcorp Genetics (formerly Invitae), Labcorp
Classification: Uncertain significance. Last evaluated: 2023-05-16. Review status: criteria provided, single submitter. Criteria: Invitae Variant Classification Sherloc (09022015). Collection method: clinical testing. Allele origin: germline.
Comment: This sequence change replaces glycine, which is neutral and non-polar, with arginine, which is basic and polar, at codon 600 of the GUCY2C protein (p.Gly600Arg). In summary, the available evidence is currently insufficient to determine the role of this variant in disease. Therefore, it has been classified as a Variant of Uncertain Significance. Algorithms developed to predict the effect of sequence changes on RNA splicing suggest that this variant may disrupt the consensus splice site. An algorithm developed to predict the effect of missense changes on protein structure and function (PolyPhen-2) suggests that this variant is likely to be disruptive. ClinVar contains an entry for this variant (Variation ID: 1120216). This variant has not been reported in the literature in individuals affected with GUCY2C-related conditions. This variant is present in population databases (rs777943137, gnomAD 0.003%).

Suma Genomics
Classification: Uncertain significance for Intestinal obstruction in the newborn due to guanylate cyclase 2C deficiency. Review status: criteria provided, single submitter. Criteria: ACMG Guidelines, 2015. Collection method: clinical testing. Allele origin: inherited. Inheritance: Autosomal recessive inheritance. Affected: yes.

NM_004963.4(GUCY2C):c.1798G>A (p.Gly600Arg)

Gene: GUCY2C (guanylate cyclase 2C; minus strand). Cytogenetic location: 12p12.3.
Variant type: single nucleotide variant.
Coding change: c.1798G>A on transcript NM_004963.4 (MANE Select); coding-DNA position 1798, G replaced by A.
Protein change: p.Gly600Arg; replaces glycine 600 with arginine.
Molecular consequence: missense variant.
Genome position (GRCh38, 1-based): chr12:14,643,706, C>T on the plus strand (G>A on the coding strand, the complement: GUCY2C is on the minus strand). VCF-style: chr12-14643706-C-T. GRCh37 (hg19) VCF-style: chr12-14796640-C-T.
Other names: short protein forms G600R.
Identifiers: ClinVar variation 1120216 (VCV001120216.2), dbSNP rs777943137, ClinGen allele CA6463269.